The following is an entry in ClinVar:

NM_002291.3(LAMB1):c.4939C>T (p.Arg1647Cys)

Gene: LAMB1 (laminin subunit beta 1; minus strand). Cytogenetic location: 7q31.1.
Variant type: single nucleotide variant.
Coding change: c.4939C>T on transcript NM_002291.3 (MANE Select); coding-DNA position 4939, C replaced by T.
Protein change: p.Arg1647Cys; replaces arginine 1647 with cysteine.
Molecular consequence: missense variant.
Genome position (GRCh38, 1-based): chr7:107,926,308, G>A on the plus strand (C>T on the coding strand, the complement: LAMB1 is on the minus strand). VCF-style: chr7-107926308-G-A. GRCh37 (hg19) VCF-style: chr7-107566753-G-A.
Other names: short protein forms R1647C.
Identifiers: ClinVar variation 1900317 (VCV001900317.5), dbSNP rs756179103, ClinGen allele CA4434888.

ClinVar aggregate classification (germline): Uncertain significance (1 of 4 stars; one submission).

Allele frequency attached by ClinVar (database versions not stated): gnomAD 0.00002; TOPMed 0.00002; ExAC 0.00003.
gnomAD v4.1: 13 of 1,613,724 alleles (0.00081%); highest among the groups gnomAD compares: Admixed American, 0.0017%; no homozygotes.

Submission:

Labcorp Genetics (formerly Invitae), Labcorp
Classification: Uncertain significance. Last evaluated: 2024-10-24. Review status: criteria provided, single submitter. Criteria: Invitae Variant Classification Sherloc (09022015). Collection method: clinical testing. Allele origin: germline.
Comment: This sequence change replaces arginine, which is basic and polar, with cysteine, which is neutral and slightly polar, at codon 1647 of the LAMB1 protein (p.Arg1647Cys). This variant is present in population databases (rs756179103, gnomAD 0.005%). This variant has not been reported in the literature in individuals affected with LAMB1-related conditions. ClinVar contains an entry for this variant (Variation ID: 1900317). An algorithm developed to predict the effect of missense changes on protein structure and function (PolyPhen-2) suggests that this variant is likely to be disruptive. In summary, the available evidence is currently insufficient to determine the role of this variant in disease. Therefore, it has been classified as a Variant of Uncertain Significance.